The following is an entry in ClinVar:

NM_012210.4(TRIM32):c.1663G>T (p.Val555Leu)

Genes: ASTN2 (astrotactin 2; minus strand), TRIM32 (tripartite motif containing 32; plus strand). Cytogenetic location: 9q33.1.
Variant type: single nucleotide variant.
Coding change: c.1663G>T on transcript NM_012210.4 (MANE Select); coding-DNA position 1663, G replaced by T.
Protein change: p.Val555Leu; replaces valine 555 with leucine.
Molecular consequence: missense variant. On other transcripts: intron variant (3).
Genome position (GRCh38, 1-based): chr9:116,699,405, G>T. VCF-style: chr9-116699405-G-T. GRCh37 (hg19) VCF-style: chr9-119461684-G-T.
Other names: c.1663G>T, p.Val555Leu (NM_001099679.2, NM_001379048.1, NM_001379049.1 and 1 more transcripts); c.2653+26366C>A (NM_014010.5); c.2794+26366C>A (NM_001365069.1); c.2806+26366C>A (NM_001365068.1); short protein forms V555L.
Identifiers: ClinVar variation 3031578 (VCV003031578.2), dbSNP rs1190502557, ClinGen allele CA374652173.

ClinVar aggregate classification (germline): Uncertain significance (0 of 4 stars; one submission).

Conditions:
TRIM32-related disorder. Also called: TRIM32-related condition.

Allele frequency attached by ClinVar (database versions not stated): TOPMed below 0.00001; gnomAD exomes 0.00002.
gnomAD v4.1: 25 of 1,614,192 alleles (0.0015%); highest among the groups gnomAD compares: Non-Finnish European, 0.0021%; no homozygotes.

Submission:

PreventionGenetics, part of Exact Sciences
Classification: Uncertain significance for TRIM32-related condition. Last evaluated: 2023-12-08. Review status: no assertion criteria provided. Collection method: clinical testing. Allele origin: germline.
Comment: The TRIM32 c.1663G>T variant is predicted to result in the amino acid substitution p.Val555Leu. To our knowledge, this variant has not been reported in the literature or in a large population database, indicating this variant is rare. At this time, the clinical significance of this variant is uncertain due to the absence of conclusive functional and genetic evidence.